The following is an entry in ClinVar:

ClinVar aggregate classification (germline): Likely pathogenic (1 of 4 stars; one submission).

Conditions:
Niemann-Pick disease, type C1. Also called: NIEMANN-PICK DISEASE, VARIANT TYPE C1; NEUROVISCERAL STORAGE DISEASE WITH VERTICAL SUPRANUCLEAR OPHTHALMOPLEGIA; NIEMANN-PICK DISEASE WITH CHOLESTEROL ESTERIFICATION BLOCK; NIEMANN-PICK DISEASE WITHOUT SPHINGOMYELINASE DEFICIENCY; NIEMANN-PICK DISEASE, CHRONIC NEURONOPATHIC FORM. Identifiers: Orphanet 646, MedGen C3179455, MONDO:0009757, OMIM 257220.

Allele frequency attached by ClinVar (database versions not stated): ExAC 0.00001.

Submission:

Labcorp Genetics (formerly Invitae), Labcorp
Classification: Likely pathogenic for Niemann-Pick disease, type C1. Last evaluated: 2023-08-10. Review status: criteria provided, single submitter. Criteria: Invitae Variant Classification Sherloc (09022015). Collection method: clinical testing. Allele origin: germline.
Comment: In summary, the currently available evidence indicates that the variant is pathogenic, but additional data are needed to prove that conclusively. Therefore, this variant has been classified as Likely Pathogenic. Algorithms developed to predict the effect of sequence changes on RNA splicing suggest that this variant may disrupt the consensus splice site. This variant has not been reported in the literature in individuals affected with NPC1-related conditions. This variant is present in population databases (rs756853895, gnomAD 0.006%). This sequence change affects an acceptor splice site in intron 7 of the NPC1 gene. It is expected to disrupt RNA splicing. Variants that disrupt the donor or acceptor splice site typically lead to a loss of protein function (PMID: 16199547), and loss-of-function variants in NPC1 are known to be pathogenic (PMID: 9211850).

Literature cited by the submitters: PubMed 16199547; PubMed 9211850.

NM_000271.5(NPC1):c.956-1G>T

Gene: NPC1 (NPC intracellular cholesterol transporter 1; minus strand). Cytogenetic location: 18q11.2.
Variant type: single nucleotide variant.
Coding change: c.956-1G>T on transcript NM_000271.5 (MANE Select); the canonical splice acceptor site of the intron before coding-DNA position 956, G replaced by T.
Molecular consequence: splice acceptor variant.
Genome position (GRCh38, 1-based): chr18:23,556,614, C>A on the plus strand (G>T on the coding strand, the complement: NPC1 is on the minus strand). VCF-style: chr18-23556614-C-A. GRCh37 (hg19) VCF-style: chr18-21136578-C-A.
Identifiers: ClinVar variation 2751517 (VCV002751517.3), dbSNP rs756853895, ClinGen allele CA8913565.
Genomic context (GRCh38, chr18:23,556,614, plus strand): 5'-ACAGCCGCCTCAAGCAGCCCTCAAATGCTGCGCTGACAGGGTCACAGCAGGACGCCTCTC[C>A]TGGAAGAACGGGAGAGGAAGGGAAGGTGGAGGTTAAGAGCCAAGCCGTTCCTGAAAGTCG-3'